The following is an entry in ClinVar:

NM_001287491.2(TET3):c.464C>T (p.Pro155Leu)

Gene: TET3 (tet methylcytosine dioxygenase 3; plus strand). Cytogenetic location: 2p13.1.
Variant type: single nucleotide variant.
Coding change: c.464C>T on transcript NM_001287491.2 (MANE Select); coding-DNA position 464, C replaced by T.
Protein change: p.Pro155Leu; replaces proline 155 with leucine.
Molecular consequence: missense variant.
Genome position (GRCh38, 1-based): chr2:74,046,381, C>T. VCF-style: chr2-74046381-C-T. GRCh37 (hg19) VCF-style: chr2-74273508-C-T.
Other names: c.185C>T, p.Pro62Leu (NM_001366022.1); c.59C>T, p.Pro20Leu (NM_144993.1); c.464C>T (NM_001287491.1); short protein forms P20L, P62L, P155L.
Identifiers: ClinVar variation 2399630 (VCV002399630.3), dbSNP rs766359553, ClinGen allele CA1718421.
Genomic context (GRCh38, chr2:74,046,381, plus strand): 5'-AGATGGACTCAGGGCCAGTGTACCATGGGGACTCACGGCAGCTAAGCGCCTCAGGGGTGC[C>T]GGTCAATGGTGCTAGAGAGCCCGCTGGACCCAGTCTGCTGGGGACTGGGGGTCCTTGGCG-3'
Protein context (NP_001274420.1, residues 145-165): DSRQLSASGV[Pro155Leu]VNGAREPAGP

ClinVar aggregate classification (germline): Uncertain significance. Review status: criteria provided, multiple submitters, no conflicts (2 of 4 stars). 2 submissions from 2 submitters: Uncertain significance (2). Last evaluated 2025-07-01.

Conditions:
Inborn genetic diseases. Identifiers: MedGen C0950123, MeSH D030342.

Allele frequency attached by ClinVar (database versions not stated): ExAC 0.00003; TOPMed 0.00012.
gnomAD v4.1: 24 of 1,540,804 alleles (0.0016%); highest among the groups gnomAD compares: African/African-American, 0.015%; no homozygotes.

Submissions (2):

GeneDx
Classification: Uncertain significance. Last evaluated: 2025-07-01. Review status: criteria provided, single submitter. Criteria: GeneDx Variant Classification Process June 2021. Collection method: clinical testing. Allele origin: germline. Affected: yes.
Comment: In silico analysis suggests that this missense variant does not alter protein structure/function; Has not been previously published as pathogenic or benign to our knowledge

Ambry Genetics
Classification: Uncertain significance for Inborn genetic diseases. Last evaluated: 2021-06-30. Review status: criteria provided, single submitter. Criteria: Ambry Variant Classification Scheme 2023. Collection method: clinical testing. Allele origin: germline.